The following is an entry in ClinVar:

ClinVar aggregate classification (germline): Uncertain significance. Review status: criteria provided, multiple submitters, no conflicts (2 of 4 stars). 2 submissions from 2 submitters: Uncertain significance (2). Last evaluated 2022-12-09.

Conditions:
DICER1-related tumor predisposition. Also called: DICER1-related pleuropulmonary blastoma cancer predisposition syndrome; DICER1 syndrome. Identifiers: Orphanet 284343, MedGen C3839822, MONDO:0100216.
Hereditary cancer-predisposing syndrome. Also called: Tumor predisposition; Neoplastic Syndromes, Hereditary; Hereditary neoplastic syndrome; Hereditary Cancer Syndrome. Identifiers: Orphanet 140162, MedGen C0027672, MeSH D009386, MONDO:0015356.

Submissions (2):

Ambry Genetics
Classification: Uncertain significance for Hereditary cancer-predisposing syndrome. Last evaluated: 2022-12-09. Review status: criteria provided, single submitter. Criteria: Ambry Variant Classification Scheme 2023. Collection method: clinical testing. Allele origin: germline.
Comment: The p.I1108F variant (also known as c.3322A>T), located in coding exon 20 of the DICER1 gene, results from an A to T substitution at nucleotide position 3322. The isoleucine at codon 1108 is replaced by phenylalanine, an amino acid with highly similar properties. This amino acid position is conserved. In addition, this alteration is predicted to be tolerated by in silico analysis. Since supporting evidence is limited at this time, the clinical significance of this alteration remains unclear.

Labcorp Genetics (formerly Invitae), Labcorp
Classification: Uncertain significance for DICER1-related tumor predisposition. Last evaluated: 2022-08-19. Review status: criteria provided, single submitter. Criteria: Invitae Variant Classification Sherloc (09022015). Collection method: clinical testing. Allele origin: germline.
Comment: Algorithms developed to predict the effect of sequence changes on RNA splicing suggest that this variant may create or strengthen a splice site. In summary, the available evidence is currently insufficient to determine the role of this variant in disease. Therefore, it has been classified as a Variant of Uncertain Significance. Algorithms developed to predict the effect of missense changes on protein structure and function (SIFT, PolyPhen-2, Align-GVGD) all suggest that this variant is likely to be tolerated. This variant has not been reported in the literature in individuals affected with DICER1-related conditions. This variant is not present in population databases (gnomAD no frequency). This sequence change replaces isoleucine, which is neutral and non-polar, with phenylalanine, which is neutral and non-polar, at codon 1108 of the DICER1 protein (p.Ile1108Phe).

NM_177438.3(DICER1):c.3322A>T (p.Ile1108Phe)

Gene: DICER1 (dicer 1, ribonuclease III; minus strand). Cytogenetic location: 14q32.13.
Variant type: single nucleotide variant.
Coding change: c.3322A>T on transcript NM_177438.3 (MANE Select); coding-DNA position 3322, A replaced by T.
Protein change: p.Ile1108Phe; replaces isoleucine 1108 with phenylalanine.
Molecular consequence: missense variant. On other transcripts: non-coding transcript variant (4).
Genome position (GRCh38, 1-based): chr14:95,104,074, T>A on the plus strand (A>T on the coding strand, the complement: DICER1 is on the minus strand). VCF-style: chr14-95104074-T-A. GRCh37 (hg19) VCF-style: chr14-95570411-T-A.
Other names: c.3322A>T, p.Ile1108Phe (NM_001195573.1, NM_001271282.3, NM_001291628.2 and 13 more transcripts); c.3040A>T, p.Ile1014Phe (NM_001395686.1); c.2917A>T, p.Ile973Phe (NM_001395687.1, NM_001395688.1, NM_001395689.1 and 2 more transcripts); c.2755A>T, p.Ile919Phe (NM_001395691.1); c.1639A>T, p.Ile547Phe (NM_001395697.1); short protein forms I919F, I1014F, I547F, I1108F, I973F.
Identifiers: ClinVar variation 2093813 (VCV002093813.6), dbSNP rs751551790, ClinGen allele CA390875910.